The following is an entry in ClinVar:

ClinVar aggregate classification (germline): Uncertain significance (1 of 4 stars; one submission).

Conditions:
Hypertrophic cardiomyopathy 26. Also called: Cardiomyopathy, familial hypertrophic, 26. Identifiers: Orphanet 75249, MedGen C4310749, MONDO:0014883, OMIM 617047.
Myofibrillar myopathy 5. Also called: Filaminopathy (type); FILAMINOPATHY, AUTOSOMAL DOMINANT. Identifiers: Orphanet 171445, MedGen C1836050, MONDO:0012289, OMIM 609524.
Distal myopathy with posterior leg and anterior hand involvement. Also called: WILLIAMS DISTAL MYOPATHY. Identifiers: Orphanet 63273, MedGen C3279722, MONDO:0013550, OMIM 614065.

Submission:

Labcorp Genetics (formerly Invitae), Labcorp
Classification: Uncertain significance for Distal myopathy with posterior leg and anterior hand involvement; Myofibrillar myopathy 5; Hypertrophic cardiomyopathy 26. Last evaluated: 2025-09-16. Review status: criteria provided, single submitter. Criteria: Invitae Variant Classification Sherloc (09022015). Collection method: clinical testing. Allele origin: germline.
Comment: This sequence change replaces arginine, which is basic and polar, with proline, which is neutral and non-polar, at codon 84 of the FLNC protein (p.Arg84Pro). This variant is not present in population databases (gnomAD no frequency). This variant has not been reported in the literature in individuals affected with FLNC-related conditions. ClinVar contains an entry for this variant (Variation ID: 2939531). Invitae Evidence Modeling of protein sequence and biophysical properties (such as structural, functional, and spatial information, amino acid conservation, physicochemical variation, residue mobility, and thermodynamic stability) has been performed for this missense variant. However, the output from this modeling did not meet the statistical confidence thresholds required to predict the impact of this variant on FLNC protein function. In summary, the available evidence is currently insufficient to determine the role of this variant in disease. Therefore, it has been classified as a Variant of Uncertain Significance.

NM_001458.5(FLNC):c.251G>C (p.Arg84Pro)

Gene: FLNC (filamin C; plus strand). Cytogenetic location: 7q32.1.
Variant type: single nucleotide variant.
Coding change: c.251G>C on transcript NM_001458.5 (MANE Select); coding-DNA position 251, G replaced by C.
Protein change: p.Arg84Pro; replaces arginine 84 with proline.
Molecular consequence: missense variant.
Genome position (GRCh38, 1-based): chr7:128,830,888, G>C. VCF-style: chr7-128830888-G-C. GRCh37 (hg19) VCF-style: chr7-128470942-G-C.
Other names: c.251G>C, p.Arg84Pro (NM_001127487.2); short protein forms R84P.
Identifiers: ClinVar variation 2939531 (VCV002939531.3), dbSNP rs1390511918, ClinGen allele CA369216621.